The following is an entry in ClinVar:

ClinVar aggregate classification (germline): Uncertain significance (1 of 4 stars; one submission).

Conditions:
Idiopathic generalized epilepsy. Also called: EIG; Generalised epilepsy. Identifiers: MedGen C0270850, MONDO:0005579, OMIM 600669.
Hyperaldosteronism, familial, type IV (HALD4). Also called: FH IV; ALDOSTERONISM, PRIMARY, AND HYPERTENSION. Identifiers: Orphanet 642671, MedGen C4310756, MONDO:0014875, OMIM 617027.

Submission:

Labcorp Genetics (formerly Invitae), Labcorp
Classification: Uncertain significance for Idiopathic generalized epilepsy; Hyperaldosteronism, familial, type IV. Last evaluated: 2023-05-15. Review status: criteria provided, single submitter. Criteria: Invitae Variant Classification Sherloc (09022015). Collection method: clinical testing. Allele origin: germline.
Comment: In summary, the available evidence is currently insufficient to determine the role of this variant in disease. Therefore, it has been classified as a Variant of Uncertain Significance. This variant has not been reported in the literature in individuals affected with CACNA1H-related conditions. This variant is a gross deletion of the genomic region encompassing exon(s) 9-11 of the CACNA1H gene. This deletion is out-of-frame, and is expected to create a premature translational stop signal and result in an absent or disrupted protein product. However, the current clinical and genetic evidence is not sufficient to establish whether loss-of-function variants in CACNA1H cause disease.

NC_000016.9:g.(?_1251643)_(1255285_?)del

Gene: CACNA1H (calcium voltage-gated channel subunit alpha1 H; plus strand). Cytogenetic location: 16p13.3.
Variant type: Deletion.
Identifiers: ClinVar variation 1011740 (VCV001011740.5).